The following is an entry in ClinVar:

NM_018706.7(DHTKD1):c.1452C>G (p.Tyr484Ter)

Gene: DHTKD1 (dehydrogenase E1 and transketolase domain containing 1; plus strand). Cytogenetic location: 10p14.
Variant type: single nucleotide variant.
Coding change: c.1452C>G on transcript NM_018706.7 (MANE Select); coding-DNA position 1452, C replaced by G.
Protein change: p.Tyr484Ter; replaces tyrosine 484 with a stop codon.
Molecular consequence: nonsense.
Genome position (GRCh38, 1-based): chr10:12,097,777, C>G. VCF-style: chr10-12097777-C-G. GRCh37 (hg19) VCF-style: chr10-12139776-C-G.
Other names: short protein forms Y484*.
Identifiers: ClinVar variation 2881928 (VCV002881928.3), dbSNP rs778217501, ClinGen allele CA202586003.

ClinVar aggregate classification (germline): Pathogenic (1 of 4 stars; one submission).

Conditions:
2-aminoadipic 2-oxoadipic aciduria (AAKAD). Also called: Aminoadipic aciduria; ALPHA-AMINOADIPIC AND ALPHA-KETOADIPIC ACIDURIA. Identifiers: Orphanet 79154, MedGen C1859817, MONDO:0008774, OMIM 204750.

Allele frequency attached by ClinVar (database versions not stated): gnomAD 0.00001; gnomAD exomes 0.00001; TOPMed 0.00001.
gnomAD v4.1: 10 of 1,614,106 alleles (0.00062%); highest among the groups gnomAD compares: Non-Finnish European, 0.00076%; no homozygotes.

Submission:

Labcorp Genetics (formerly Invitae), Labcorp
Classification: Pathogenic for 2-aminoadipic 2-oxoadipic aciduria. Last evaluated: 2023-10-13. Review status: criteria provided, single submitter. Criteria: Invitae Variant Classification Sherloc (09022015). Collection method: clinical testing. Allele origin: germline.
Comment: This sequence change creates a premature translational stop signal (p.Tyr484*) in the DHTKD1 gene. It is expected to result in an absent or disrupted protein product. Loss-of-function variants in DHTKD1 are known to be pathogenic (PMID: 23141293, 25860818). This variant is not present in population databases (gnomAD no frequency). This variant has not been reported in the literature in individuals affected with DHTKD1-related conditions. For these reasons, this variant has been classified as Pathogenic.

Literature cited by the submitters: PubMed 23141293; PubMed 25860818.